The following is an entry in ClinVar:

NM_005431.2(XRCC2):c.631C>G (p.His211Asp)

Gene: XRCC2 (X-ray repair cross complementing 2; minus strand). Cytogenetic location: 7q36.1.
Variant type: single nucleotide variant.
Coding change: c.631C>G on transcript NM_005431.2 (MANE Select); coding-DNA position 631, C replaced by G.
Protein change: p.His211Asp; replaces histidine 211 with aspartic acid.
Molecular consequence: missense variant.
Genome position (GRCh38, 1-based): chr7:152,648,854, G>C on the plus strand (C>G on the coding strand, the complement: XRCC2 is on the minus strand). VCF-style: chr7-152648854-G-C. GRCh37 (hg19) VCF-style: chr7-152345939-G-C.
Other names: short protein forms H211D.
Identifiers: ClinVar variation 1752827 (VCV001752827.2), dbSNP rs2116987347, ClinGen allele CA370198282.
Genomic context (GRCh38, chr7:152,648,854, plus strand): 5'-ATGCCTTACAGAGATAAGGTCTGTAGTCTATGTCCACATCACACAGTCGTCGAGAGGCAT[G>C]AGAAGGTTCTTCTGATGAGCTCGAGGCTTTCTGCATTATAGTTTGTGTCGTTGCAAAAAG-3'
Protein context (NP_005422.1, residues 201-221): KASSSSEEPS[His211Asp]ASRRLCDVDI

ClinVar aggregate classification (germline): Uncertain significance (1 of 4 stars; one submission).

Conditions:
Hereditary cancer-predisposing syndrome. Also called: Neoplastic Syndromes, Hereditary; Tumor predisposition; Hereditary Cancer Syndrome; Hereditary neoplastic syndrome. Identifiers: Orphanet 140162, MedGen C0027672, MeSH D009386, MONDO:0015356.

Submission:

Ambry Genetics
Classification: Uncertain significance for Hereditary cancer-predisposing syndrome. Last evaluated: 2022-03-01. Review status: criteria provided, single submitter. Criteria: Ambry Variant Classification Scheme 2023. Collection method: clinical testing. Allele origin: germline.
Comment: The p.H211D variant (also known as c.631C>G), located in coding exon 3 of the XRCC2 gene, results from a C to G substitution at nucleotide position 631. The histidine at codon 211 is replaced by aspartic acid, an amino acid with similar properties. This amino acid position is conserved. In addition, this alteration is predicted to be tolerated by in silico analysis. Since supporting evidence is limited at this time, the clinical significance of this alteration remains unclear.